The following is an entry in ClinVar:

NM_018979.4(WNK1):c.5684T>C (p.Leu1895Pro)

Gene: WNK1 (WNK lysine deficient protein kinase 1; plus strand). Cytogenetic location: 12p13.33.
Variant type: single nucleotide variant.
Coding change: c.5684T>C on transcript NM_018979.4 (MANE Select); coding-DNA position 5684, T replaced by C.
Protein change: p.Leu1895Pro; replaces leucine 1895 with proline.
Molecular consequence: missense variant.
Genome position (GRCh38, 1-based): chr12:896,171, T>C. VCF-style: chr12-896171-T-C. GRCh37 (hg19) VCF-style: chr12-1005337-T-C.
Other names: c.6464T>C, p.Leu2155Pro (NM_001184985.2); c.4940T>C, p.Leu1647Pro (NM_014823.3); c.6440T>C, p.Leu2147Pro (NM_213655.5); short protein forms L2155P, L2147P, L1895P, L1647P.
Identifiers: ClinVar variation 1878398 (VCV001878398.3), dbSNP rs770476272, ClinGen allele CA6383265.
Genomic context (GRCh38, chr12:896,171, plus strand): 5'-ATAAGTCAGAAGATGCAAAGTCTGTTCATTTTGAATCCAGCACCTCAGAGTCCTCAGTGC[T>C]ATCAAGTAGTAGTCCAGAGAGTACCTTGGTGAAACCAGAGCCGAATGGCATAACCATCCC-3'
Protein context (NP_061852.3, residues 1885-1905): FESSTSESSV[Leu1895Pro]SSSSPESTLV

ClinVar aggregate classification (germline): Uncertain significance. Review status: criteria provided, multiple submitters, no conflicts (2 of 4 stars). 2 submissions from 2 submitters: Uncertain significance (2). Last evaluated 2024-09-08.

Conditions:
Pseudohypoaldosteronism type 2C (PHA2C). Also called: Pseudohypoaldosteronism Type IIC. Identifiers: Orphanet 757, Orphanet 88940, MedGen C1840391, MONDO:0013778, OMIM 614492.
Neuropathy, hereditary sensory and autonomic, type 2A (HSAN2A). Also called: ACROOSTEOLYSIS, GIACCAI TYPE; ACROOSTEOLYSIS, NEUROGENIC; MORVAN DISEASE; NEUROPATHY, CONGENITAL SENSORY; NEUROPATHY, HEREDITARY SENSORY RADICULAR, AUTOSOMAL RECESSIVE; HSAN IIA. Identifiers: Orphanet 970, MedGen C2752089, MONDO:0024309, OMIM 201300.

Allele frequency attached by ClinVar (database versions not stated): ExAC 0.00001; gnomAD 0.00001; gnomAD exomes 0.00001; TOPMed 0.00001.
gnomAD v4.1: 6 of 1,614,086 alleles (0.00037%); highest among the groups gnomAD compares: African/African-American, 0.0067%; no homozygotes.

Submissions (2):

Labcorp Genetics (formerly Invitae), Labcorp
Classification: Uncertain significance for Neuropathy, hereditary sensory and autonomic, type 2A; Pseudohypoaldosteronism type 2C. Last evaluated: 2024-09-08. Review status: criteria provided, single submitter. Criteria: Invitae Variant Classification Sherloc (09022015). Collection method: clinical testing. Allele origin: germline.
Comment: This sequence change replaces leucine, which is neutral and non-polar, with proline, which is neutral and non-polar, at codon 2147 of the WNK1 protein (p.Leu2147Pro). This variant is present in population databases (rs770476272, gnomAD 0.007%). This variant has not been reported in the literature in individuals affected with WNK1-related conditions. ClinVar contains an entry for this variant (Variation ID: 1878398). Invitae Evidence Modeling of protein sequence and biophysical properties (such as structural, functional, and spatial information, amino acid conservation, physicochemical variation, residue mobility, and thermodynamic stability) indicates that this missense variant is not expected to disrupt WNK1 protein function with a negative predictive value of 95%. In summary, the available evidence is currently insufficient to determine the role of this variant in disease. Therefore, it has been classified as a Variant of Uncertain Significance.

Women's Health and Genetics/Laboratory Corporation of America, LabCorp
Classification: Uncertain significance. Last evaluated: 2022-12-28. Review status: criteria provided, single submitter. Criteria: LabCorp Variant Classification Summary - May 2015. Collection method: clinical testing. Allele origin: germline.
Comment: Variant summary: WNK1 c.5684T>C (p.Leu1895Pro) results in a non-conservative amino acid change in the encoded protein sequence. Three of five in-silico tools predict a benign effect of the variant on protein function. The variant allele was found at a frequency of 4e-06 in 251440 control chromosomes (gnomAD). The available data on variant occurrences in the general population are insufficient to allow any conclusion about variant significance. To our knowledge, no occurrence of c.5684T>C in individuals affected with Neuropathy, Hereditary Sensory And Autonomic, Type 2A and no experimental evidence demonstrating its impact on protein function have been reported. No clinical diagnostic laboratories have submitted clinical-significance assessments for this variant to ClinVar after 2014. Based on the evidence outlined above, the variant was classified as uncertain significance.